The following is an entry in ClinVar:

NM_002470.4(MYH3):c.985G>A (p.Glu329Lys)

Gene: MYH3 (myosin heavy chain 3; minus strand). Cytogenetic location: 17p13.1.
Variant type: single nucleotide variant.
Coding change: c.985G>A on transcript NM_002470.4 (MANE Select); coding-DNA position 985, G replaced by A.
Protein change: p.Glu329Lys; replaces glutamic acid 329 with lysine.
Molecular consequence: missense variant.
Genome position (GRCh38, 1-based): chr17:10,645,946, C>T on the plus strand (G>A on the coding strand, the complement: MYH3 is on the minus strand). VCF-style: chr17-10645946-C-T. GRCh37 (hg19) VCF-style: chr17-10549263-C-T.
Other names: short protein forms E329K.
Identifiers: ClinVar variation 4685447 (VCV004685447.1).

ClinVar aggregate classification (germline): Uncertain significance (1 of 4 stars; one submission).

Submission:

GeneDx
Classification: Uncertain significance. Last evaluated: 2025-07-08. Review status: criteria provided, single submitter. Criteria: GeneDx Variant Classification Process June 2021. Collection method: clinical testing. Allele origin: germline. Affected: yes.
Comment: Not observed at significant frequency in large population cohorts (gnomAD); In silico analysis supports that this missense variant has a deleterious effect on protein structure/function; Has not been previously published as pathogenic or benign to our knowledge